The following is an entry in ClinVar:

NM_004972.4(JAK2):c.1803G>A (p.Met601Ile)

Genes: INSL6 (insulin like 6; minus strand), JAK2 (Janus kinase 2; plus strand). Cytogenetic location: 9p24.1.
Variant type: single nucleotide variant.
Coding change: c.1803G>A on transcript NM_004972.4 (MANE Select); coding-DNA position 1803, G replaced by A.
Protein change: p.Met601Ile; replaces methionine 601 with isoleucine.
Molecular consequence: missense variant. On other transcripts: non-coding transcript variant (2).
Genome position (GRCh38, 1-based): chr9:5,073,724, G>A. VCF-style: chr9-5073724-G-A. GRCh37 (hg19) VCF-style: chr9-5073724-G-A.
Other names: c.1803G>A, p.Met601Ile (NM_001322196.2, NM_001322194.2, NM_001322195.2); c.588G>A, p.Met196Ile (NM_001322198.2, NM_001322199.2); c.1356G>A, p.Met452Ile (NM_001322204.2); short protein forms M196I, M601I, M452I.
Identifiers: ClinVar variation 4771560 (VCV004771560.1).

ClinVar aggregate classification (germline): Uncertain significance (1 of 4 stars; one submission).

Submission:

Labcorp Genetics (formerly Invitae), Labcorp
Classification: Uncertain significance. Last evaluated: 2026-01-22. Review status: criteria provided, single submitter. Criteria: Invitae Variant Classification Sherloc (09022015). Collection method: clinical testing. Allele origin: germline.
Comment: This sequence change replaces methionine, which is neutral and non-polar, with isoleucine, which is neutral and non-polar, at codon 601 of the JAK2 protein (p.Met601Ile). This variant is not present in population databases (gnomAD no frequency). This variant has not been reported in the literature in individuals affected with JAK2-related conditions. Invitae Evidence Modeling of protein sequence and biophysical properties (such as structural, functional, and spatial information, amino acid conservation, physicochemical variation, residue mobility, and thermodynamic stability) indicates that this missense variant is not expected to disrupt JAK2 protein function with a negative predictive value of 80%. In summary, the available evidence is currently insufficient to determine the role of this variant in disease. Therefore, it has been classified as a Variant of Uncertain Significance.